The following is an entry in ClinVar:

NM_004655.4(AXIN2):c.1252C>G (p.Pro418Ala)

Gene: AXIN2 (axin 2; minus strand). Cytogenetic location: 17q24.1.
Variant type: single nucleotide variant.
Coding change: c.1252C>G on transcript NM_004655.4 (MANE Select); coding-DNA position 1252, C replaced by G.
Protein change: p.Pro418Ala; replaces proline 418 with alanine.
Molecular consequence: missense variant.
Genome position (GRCh38, 1-based): chr17:65,537,784, G>C on the plus strand (C>G on the coding strand, the complement: AXIN2 is on the minus strand). VCF-style: chr17-65537784-G-C. GRCh37 (hg19) VCF-style: chr17-63533902-G-C.
Other names: c.1252C>G, p.Pro418Ala (NM_001363813.1); short protein forms P418A.
Identifiers: ClinVar variation 3645895 (VCV003645895.3).
Genomic context (GRCh38, chr17:65,537,784, plus strand): 5'-TCGTCTGCGGGTCTTCCTCGTAGCTGCCGGAGGGCAGTAGGGAGAGGGGGTGCTGCGTGG[G>C]CGCCCCCTCCCGCGAATTGAGTGTGAGCTCGGAGCCCTCTCTCTCTTCATCCTGAAAGGG-3'
Protein context (NP_004646.3, residues 408-428): ELTLNSREGA[Pro418Ala]TQHPLSLLPS

ClinVar aggregate classification (germline): Uncertain significance. Review status: criteria provided, multiple submitters, no conflicts (2 of 4 stars). 2 submissions from 2 submitters: Uncertain significance (2). Last evaluated 2026-07-06.

Conditions:
Hereditary cancer-predisposing syndrome. Also called: Tumor predisposition; Hereditary neoplastic syndrome; Hereditary Cancer Syndrome; Neoplastic Syndromes, Hereditary. Identifiers: Orphanet 140162, MedGen C0027672, MeSH D009386, MONDO:0015356.
Oligodontia-cancer predisposition syndrome. Also called: TOOTH AGENESIS-COLORECTAL CANCER SYNDROME. Identifiers: Orphanet 300576, MedGen C1837750, MONDO:0012075, OMIM 608615. Disease mechanism: loss of function.

Submissions (2):

Ambry Genetics
Classification: Uncertain significance for Hereditary cancer-predisposing syndrome. Last evaluated: 2026-07-06. Review status: criteria provided, single submitter. Criteria: Ambry Variant Classification Scheme 2023. Collection method: clinical testing. Allele origin: germline.
Comment: The p.P418A variant (also known as c.1252C>G), located in coding exon 5 of the AXIN2 gene, results from a C to G substitution at nucleotide position 1252. The proline at codon 418 is replaced by alanine, an amino acid with highly similar properties. This amino acid position is conserved. In addition, this alteration is predicted to be tolerated by in silico analysis. Based on the available evidence, the clinical significance of this variant remains unclear.

Labcorp Genetics (formerly Invitae), Labcorp
Classification: Uncertain significance for Oligodontia-cancer predisposition syndrome. Last evaluated: 2024-03-14. Review status: criteria provided, single submitter. Criteria: Invitae Variant Classification Sherloc (09022015). Collection method: clinical testing. Allele origin: germline.
Comment: This sequence change replaces proline, which is neutral and non-polar, with alanine, which is neutral and non-polar, at codon 418 of the AXIN2 protein (p.Pro418Ala). This variant is not present in population databases (gnomAD no frequency). This variant has not been reported in the literature in individuals affected with AXIN2-related conditions. Advanced modeling of protein sequence and biophysical properties (such as structural, functional, and spatial information, amino acid conservation, physicochemical variation, residue mobility, and thermodynamic stability) performed at Invitae indicates that this missense variant is not expected to disrupt AXIN2 protein function with a negative predictive value of 80%. In summary, the available evidence is currently insufficient to determine the role of this variant in disease. Therefore, it has been classified as a Variant of Uncertain Significance.